The following is an entry in ClinVar:

ClinVar aggregate classification (germline): Uncertain significance (1 of 4 stars; one submission).

Conditions:
Neuromuscular disease. Also called: Neuromuscular disorder; Neuromyopathy. Identifiers: Orphanet 68381, MedGen C0027868, MeSH D009468, MONDO:0019056.

Submission:

Broad Center for Mendelian Genomics, Broad Institute of MIT and Harvard
Classification: Uncertain significance for Neuromuscular disease. Last evaluated: 2024-11-21. Review status: criteria provided, single submitter. Criteria: ACMG Guidelines, 2015. Collection method: curation. Allele origin: germline. Inheritance: Autosomal dominant inheritance. Study: GREGoR Consortium.
Comment: While this gene is still lacking sufficient evidence to establish a gene-disease relationship, we believe this is a possible novel gene candidate for neuromuscular disease. Given the limited information about this gene-disease relationship, the significance of the TMEM184B variant is uncertain. If you have any additional information about functional evidence or other individuals with this phenotype that also have variants in TMEM184B we encourage you to reach out to us.

NM_012264.5(TMEM184B):c.787+1G>A

Gene: TMEM184B (transmembrane protein 184B; minus strand). Cytogenetic location: 22q13.1.
Variant type: single nucleotide variant.
Coding change: c.787+1G>A on transcript NM_012264.5 (MANE Select); the canonical splice donor site of the intron after coding-DNA position 787, G replaced by A.
Molecular consequence: splice donor variant.
Genome position (GRCh38, 1-based): chr22:38,225,423, C>T on the plus strand (G>A on the coding strand, the complement: TMEM184B is on the minus strand). VCF-style: chr22-38225423-C-T. GRCh37 (hg19) VCF-style: chr22-38621430-C-T.
Other names: NM_001195072.2:c.589+1G>A; c.589+1G>A (NM_001195072.2); c.787+1G>A (NM_001195071.1).
Identifiers: ClinVar variation 3383307 (VCV003383307.1).